The following is an entry in ClinVar:

ClinVar aggregate classification (germline): Benign. Review status: criteria provided, multiple submitters, no conflicts (2 of 4 stars). 3 submissions from 3 submitters: Benign (3). Last evaluated 2026-08-01.

Allele frequency attached by ClinVar (database versions not stated): 1000 Genomes Project 30x 0.00297; 1000 Genomes Project 0.00300; gnomAD exomes 0.00573 and 0.01024; gnomAD 0.00601 and 0.00617; ExAC 0.00620; TOPMed 0.00621; ESP Exome Variant Server 0.00746.
gnomAD v4.1: 15,863 of 1,614,106 alleles (0.98%); highest among the groups gnomAD compares: Non-Finnish European, 1.2%; 103 homozygotes.

Submissions (3):

CeGaT Center for Human Genetics Tuebingen
Classification: Benign. Last evaluated: 2026-08-01. Review status: criteria provided, single submitter. Criteria: CeGaT Center For Human Genetics Tuebingen Variant Classification Criteria Version 2. Collection method: clinical testing. Allele origin: germline. Affected: yes. Observed: 4 variant alleles.
Comment: LRP1: BP4, BP7, BS1, BS2

Labcorp Genetics (formerly Invitae), Labcorp
Classification: Benign. Last evaluated: 2019-12-31. Review status: criteria provided, single submitter. Criteria: Invitae Variant Classification Sherloc (09022015). Collection method: clinical testing. Allele origin: germline.

Breakthrough Genomics
Classification: Benign. Review status: criteria provided, single submitter. Criteria: ACMG Guidelines, 2015. Collection method: not provided. Allele origin: germline. Inheritance: Autosomal recessive inheritance. Affected: yes.

NM_002332.3(LRP1):c.11616C>T (p.Ile3872=)

Gene: LRP1 (LDL receptor related protein 1; plus strand). Cytogenetic location: 12q13.3.
Variant type: single nucleotide variant.
Coding change: c.11616C>T on transcript NM_002332.3 (MANE Select); coding-DNA position 11616, C replaced by T.
Protein change: p.Ile3872=; no amino-acid change (isoleucine 3872 retained).
Molecular consequence: synonymous variant.
Genome position (GRCh38, 1-based): chr12:57,206,498, C>T. VCF-style: chr12-57206498-C-T. GRCh37 (hg19) VCF-style: chr12-57600281-C-T.
Identifiers: ClinVar variation 774483 (VCV000774483.29), dbSNP rs1800160, ClinGen allele CA6645373.
Genomic context (GRCh38, chr12:57,206,498, plus strand): 5'-CCCACAGCCCCAGCCCTGGCCTCTTGCTTCTCCAGGCTCTGAGTACCAGGTCCTGTACAT[C>T]GCTGATGACAATGAGATCCGCAGCCTGTTCCCCGGCCACCCCCATTCGGCTTACGAGCAG-3'
Protein context (NP_002323.2, residues 3862-3882): AEGSEYQVLY[Ile3872=]ADDNEIRSLF